The following is an entry in ClinVar:

ClinVar aggregate classification (germline): Pathogenic (1 of 4 stars; one submission).

Conditions:
Primary ciliary dyskinesia 28. Also called: CILIARY DYSKINESIA, PRIMARY, 28, WITH OR WITHOUT SITUS INVERSUS. Identifiers: Orphanet 244, MedGen C3809706, MONDO:0014216, OMIM 615505.

Submission:

Labcorp Genetics (formerly Invitae), Labcorp
Classification: Pathogenic for Primary ciliary dyskinesia 28. Last evaluated: 2022-05-06. Review status: criteria provided, single submitter. Criteria: Invitae Variant Classification Sherloc (09022015). Collection method: clinical testing. Allele origin: germline.
Comment: For these reasons, this variant has been classified as Pathogenic. This variant has not been reported in the literature in individuals affected with SPAG1-related conditions. This variant is not present in population databases (gnomAD no frequency). This sequence change creates a premature translational stop signal (p.Glu109Argfs*4) in the SPAG1 gene. It is expected to result in an absent or disrupted protein product. Loss-of-function variants in SPAG1 are known to be pathogenic (PMID: 24055112).

Literature cited by the submitters: PubMed 24055112.

NM_003114.5(SPAG1):c.324dup (p.Glu109fs)

Gene: SPAG1 (sperm associated antigen 1; plus strand). Cytogenetic location: 8q22.2.
Variant type: Duplication.
Coding change: c.324dup on transcript NM_003114.5 (MANE Select); coding-DNA position 324, one base duplicated (A; older notation c.324dupA).
Protein change: p.Glu109fs; shifts the reading frame from glutamic acid 109.
Molecular consequence: frameshift variant.
Genome position (GRCh38, 1-based): chr8:100,177,839, A duplicated; the last of 6 consecutive A bases (chr8:100,177,834-100,177,839); duplicating any one gives the same sequence. VCF-style (leftmost placement, unchanged base first): chr8-100177833-T-TA. GRCh37 (hg19) VCF-style: chr8-101190061-T-TA.
Other names: c.324dup, p.Glu109fs (NM_001374321.1, NM_172218.3); short protein forms E109fs.
Identifiers: ClinVar variation 1929731 (VCV001929731.5), dbSNP rs1816195552, ClinGen allele CA2497235267.